The following is an entry in ClinVar:

NM_000126.4(ETFA):c.352-2A>G

Gene: ETFA (electron transfer flavoprotein subunit alpha; minus strand). Cytogenetic location: 15q24.2.
Variant type: single nucleotide variant.
Coding change: c.352-2A>G on transcript NM_000126.4 (MANE Select); the canonical splice acceptor site of the intron before coding-DNA position 352, A replaced by G.
Molecular consequence: splice acceptor variant.
Genome position (GRCh38, 1-based): chr15:76,287,947, T>C on the plus strand (A>G on the coding strand, the complement: ETFA is on the minus strand). VCF-style: chr15-76287947-T-C. GRCh37 (hg19) VCF-style: chr15-76580288-T-C.
Other names: c.205-2A>G (NM_001127716.2).
Identifiers: ClinVar variation 2074138 (VCV002074138.4), dbSNP rs2543025251, ClinGen allele CA393515484.

ClinVar aggregate classification (germline): Likely pathogenic (1 of 4 stars; one submission).

Conditions:
Multiple acyl-CoA dehydrogenase deficiency (MADD). Also called: ETHYLMALONIC-ADIPICACIDURIA; GA II; Glutaric acidemia type II; GA 2; Glutaric aciduria, type 2; Glutaric Acidemia type 2. Identifiers: Orphanet 26791, MedGen C0268596, MONDO:0009282, OMIM 231680.

Allele frequency attached by ClinVar (database versions not stated): gnomAD exomes below 0.00001.
gnomAD v4.1: 2 of 1,609,526 alleles (0.00012%); highest among the groups gnomAD compares: Non-Finnish European, 0.00017%; no homozygotes.

Submission:

Labcorp Genetics (formerly Invitae), Labcorp
Classification: Likely pathogenic for Multiple acyl-CoA dehydrogenase deficiency. Last evaluated: 2023-05-22. Review status: criteria provided, single submitter. Criteria: Invitae Variant Classification Sherloc (09022015). Collection method: clinical testing. Allele origin: germline.
Comment: This sequence change affects an acceptor splice site in intron 4 of the ETFA gene. It is expected to disrupt RNA splicing. Variants that disrupt the donor or acceptor splice site typically lead to a loss of protein function (PMID: 16199547), and loss-of-function variants in ETFA are known to be pathogenic (PMID: 16510302, 23785301). This variant is not present in population databases (gnomAD no frequency). This variant has not been reported in the literature in individuals affected with ETFA-related conditions. ClinVar contains an entry for this variant (Variation ID: 2074138). Algorithms developed to predict the effect of sequence changes on RNA splicing suggest that this variant may disrupt the consensus splice site. In summary, the currently available evidence indicates that the variant is pathogenic, but additional data are needed to prove that conclusively. Therefore, this variant has been classified as Likely Pathogenic.

Literature cited by the submitters: PubMed 16199547; PubMed 16510302; PubMed 23785301.